The following is an entry in ClinVar:

NM_002292.4(LAMB2):c.3613G>A (p.Ala1205Thr)

Gene: LAMB2 (laminin subunit beta 2; minus strand). Cytogenetic location: 3p21.31.
Variant type: single nucleotide variant.
Coding change: c.3613G>A on transcript NM_002292.4 (MANE Select); coding-DNA position 3613, G replaced by A.
Protein change: p.Ala1205Thr; replaces alanine 1205 with threonine.
Molecular consequence: missense variant.
Genome position (GRCh38, 1-based): chr3:49,123,912, C>T on the plus strand (G>A on the coding strand, the complement: LAMB2 is on the minus strand). VCF-style: chr3-49123912-C-T. GRCh37 (hg19) VCF-style: chr3-49161345-C-T.
Other names: short protein forms A1205T.
Identifiers: ClinVar variation 1501361 (VCV001501361.8), dbSNP rs953343840, ClinGen allele CA74479184.
Genomic context (GRCh38, chr3:49,123,912, plus strand): 5'-CCAGCACACCCGTCTGTTGCAACTCCTGCGCCCGCTGCTCTAGGCGCTGTGTACGGGCTG[C>T]CAAGTCCTGCACCACTCGGTCCCAATCCCCGAAGCATGCATGGCAGGGATGGCAGGCAGG-3'
Protein context (NP_002283.3, residues 1195-1215): GDWDRVVQDL[Ala1205Thr]ARTQRLEQRA

ClinVar aggregate classification (germline): Uncertain significance (1 of 4 stars; one submission).

Conditions:
Pierson syndrome. Also called: MICROCORIA-CONGENITAL NEPHROTIC SYNDROME. Identifiers: Orphanet 2670, MedGen C1836876, MONDO:0012184, OMIM 609049.
LAMB2-related infantile-onset nephrotic syndrome. Also called: NEPHROTIC SYNDROME, TYPE 5, WITHOUT OCULAR ABNORMALITIES; NEPHROTIC SYNDROME, TYPE 5, WITH OCULAR ABNORMALITIES; Nephrotic Syndrome, type 5. Identifiers: Orphanet 306507, MedGen C3280113, MONDO:0013621, OMIM 614199.

Allele frequency attached by ClinVar (database versions not stated): gnomAD exomes below 0.00001.
gnomAD v4.1: 3 of 1,613,260 alleles (0.00019%); highest among the groups gnomAD compares: Non-Finnish European, 0.00017%; no homozygotes.

Submission:

Labcorp Genetics (formerly Invitae), Labcorp
Classification: Uncertain significance for LAMB2-related infantile-onset nephrotic syndrome; Pierson syndrome. Last evaluated: 2022-08-10. Review status: criteria provided, single submitter. Criteria: Invitae Variant Classification Sherloc (09022015). Collection method: clinical testing. Allele origin: germline.
Comment: ClinVar contains an entry for this variant (Variation ID: 1501361). In summary, the available evidence is currently insufficient to determine the role of this variant in disease. Therefore, it has been classified as a Variant of Uncertain Significance. Algorithms developed to predict the effect of missense changes on protein structure and function (SIFT, PolyPhen-2, Align-GVGD) all suggest that this variant is likely to be disruptive. This variant has not been reported in the literature in individuals affected with LAMB2-related conditions. This sequence change replaces alanine, which is neutral and non-polar, with threonine, which is neutral and polar, at codon 1205 of the LAMB2 protein (p.Ala1205Thr). This variant is not present in population databases (gnomAD no frequency).